The following is an entry in ClinVar:

ClinVar aggregate classification (germline): Uncertain significance (1 of 4 stars; one submission).

Conditions:
46,XY sex reversal 9 (SRXY9). Also called: 46,XY SEX REVERSAL, ZFPM2-RELATED. Identifiers: Orphanet 251510, MedGen C4015129, MONDO:0014480, OMIM 616067.

Allele frequency attached by ClinVar (database versions not stated): gnomAD exomes below 0.00001; ExAC 0.00001.
gnomAD v4.1: 4 of 1,613,794 alleles (0.00025%); highest among the groups gnomAD compares: Non-Finnish European, 0.00034%; no homozygotes.

Submission:

Labcorp Genetics (formerly Invitae), Labcorp
Classification: Uncertain significance for 46,XY sex reversal 9. Last evaluated: 2020-10-19. Review status: criteria provided, single submitter. Criteria: Invitae Variant Classification Sherloc (09022015). Collection method: clinical testing. Allele origin: germline.
Comment: This sequence change replaces methionine with leucine at codon 744 of the ZFPM2 protein (p.Met744Leu). The methionine residue is highly conserved and there is a small physicochemical difference between methionine and leucine. This variant is present in population databases (rs757882709, ExAC 0.002%). This variant has not been reported in the literature in individuals with ZFPM2-related conditions. Algorithms developed to predict the effect of missense changes on protein structure and function are either unavailable or do not agree on the potential impact of this missense change (SIFT: "Deleterious"; PolyPhen-2: "Benign"; Align-GVGD: "Class C0"). In summary, the available evidence is currently insufficient to determine the role of this variant in disease. Therefore, it has been classified as a Variant of Uncertain Significance.

NM_012082.4(ZFPM2):c.2230A>T (p.Met744Leu)

Genes: ZFPM2 (zinc finger protein, FOG family member 2; plus strand), ZFPM2-AS1 (ZFPM2 antisense RNA 1; minus strand), LOC126860469 (BRD4-independent group 4 enhancer GRCh37_chr8:106814445-106815644; plus strand). Cytogenetic location: 8q23.1.
Variant type: single nucleotide variant.
Coding change: c.2230A>T on transcript NM_012082.4 (MANE Select); coding-DNA position 2230, A replaced by T.
Protein change: p.Met744Leu; replaces methionine 744 with leucine.
Molecular consequence: missense variant.
Genome position (GRCh38, 1-based): chr8:105,802,312, A>T. VCF-style: chr8-105802312-A-T. GRCh37 (hg19) VCF-style: chr8-106814540-A-T.
Other names: c.2071A>T, p.Met691Leu (NM_001362836.2); c.1834A>T, p.Met612Leu (NM_001362837.2); short protein forms M612L, M691L, M744L.
Identifiers: ClinVar variation 1055629 (VCV001055629.9), dbSNP rs757882709, ClinGen allele CA4839877.
Genomic context (GRCh38, chr8:105,802,312, plus strand): 5'-AACAAAGTGCCTGCCATGCAGAGAACCATGCGCACACGCAAGCGCAGAAAGATGTATGAG[A>T]TGTGCCTACCTGAGCAGGAACAAAGGCCTCCACTGGTTCAGCAGAGATTTCTTGACGTAG-3'
Protein context (NP_036214.2, residues 734-754): RTRKRRKMYE[Met744Leu]CLPEQEQRPP